The following is an entry in ClinVar:

ClinVar aggregate classification (germline): Likely benign. Review status: criteria provided, multiple submitters, no conflicts (2 of 4 stars). 8 submissions from 8 submitters: Likely benign (4). 4 of the submissions do not count toward it. Last evaluated 2026-04-10.

Conditions:
TRIM63-related disorder. Also called: TRIM63-related condition.

Allele frequency attached by ClinVar (database versions not stated): TOPMed 0.00080; 1000 Genomes Project 30x 0.00109; ESP Exome Variant Server 0.00115; 1000 Genomes Project 0.00140; gnomAD 0.00206 and 0.00210; ExAC 0.00227; gnomAD exomes 0.00235.
gnomAD v4.1: 2,672 of 1,612,494 alleles (0.17%); highest among the groups gnomAD compares: East Asian, 0.52%; 17 homozygotes.

Submissions (8):

Women's Health and Genetics/Laboratory Corporation of America, LabCorp
Classification: Likely benign. Last evaluated: 2026-04-10. Review status: criteria provided, single submitter. Criteria: LabCorp Variant Classification Summary - May 2015. Collection method: clinical testing. Allele origin: germline.

Molecular Diagnostic Laboratory for Inherited Cardiovascular Disease, Montreal Heart Institute
Classification: Likely benign. Last evaluated: 2025-04-09. Review status: criteria provided, single submitter. Criteria: ACMG Guidelines, 2015. Collection method: clinical testing. Allele origin: germline. Affected: no.

CeGaT Center for Human Genetics Tuebingen
Classification: Likely benign. Last evaluated: 2023-05-01. Review status: criteria provided, single submitter. Criteria: CeGaT Center For Human Genetics Tuebingen Variant Classification Criteria Version 2. Collection method: clinical testing. Allele origin: germline. Affected: yes. Observed: 2 variant alleles.
Comment: TRIM63: BP4, BS1

Breakthrough Genomics
Classification: Likely benign. Review status: criteria provided, single submitter. Criteria: ACMG Guidelines, 2015. Collection method: not provided. Allele origin: germline. Inheritance: Unknown mechanism. Affected: yes.

PreventionGenetics, part of Exact Sciences
Classification: Benign for TRIM63-related condition. Last evaluated: 2019-10-28. Review status: no assertion criteria provided. Collection method: clinical testing. Allele origin: germline. Not counted in ClinVar's aggregate classification.
Comment: This variant is classified as benign based on ACMG/AMP sequence variant interpretation guidelines (Richards et al. 2015 PMID: 25741868, with internal and published modifications).

Clinical Genetics DNA and cytogenetics Diagnostics Lab, Erasmus MC, Erasmus Medical Center
Classification: Likely benign. Review status: no assertion criteria provided. Collection method: clinical testing. Allele origin: germline. Affected: yes. Study: VKGL Data-share Consensus. Not counted in ClinVar's aggregate classification.

Genome Diagnostics Laboratory, University Medical Center Utrecht
Classification: Benign. Review status: no assertion criteria provided. Collection method: clinical testing. Allele origin: germline. Affected: yes. Study: VKGL Data-share Consensus. Not counted in ClinVar's aggregate classification.

Joint Genome Diagnostic Labs from Nijmegen and Maastricht, Radboudumc and MUMC+
Classification: Likely benign. Review status: no assertion criteria provided. Collection method: clinical testing. Allele origin: germline. Affected: yes. Study: VKGL Data-share Consensus. Not counted in ClinVar's aggregate classification.

NM_032588.4(TRIM63):c.597+7G>A

Gene: TRIM63 (tripartite motif containing 63; minus strand). Cytogenetic location: 1p36.11.
Variant type: single nucleotide variant.
Coding change: c.597+7G>A on transcript NM_032588.4 (MANE Select); 7 bases into the intron after coding-DNA position 597, G replaced by A.
Molecular consequence: intron variant.
Genome position (GRCh38, 1-based): chr1:26,060,259, C>T on the plus strand (G>A on the coding strand, the complement: TRIM63 is on the minus strand). VCF-style: chr1-26060259-C-T. GRCh37 (hg19) VCF-style: chr1-26386750-C-T.
Other names: c.597+7G>A (NM_032588.3).
Identifiers: ClinVar variation 1285188 (VCV001285188.43), dbSNP rs150672089, ClinGen allele CA699607.